The following is an entry in ClinVar:

NM_001372044.2(SHANK3):c.5417G>A (p.Ser1806Asn)

Gene: SHANK3 (SH3 and multiple ankyrin repeat domains 3; plus strand). Cytogenetic location: 22q13.33.
Variant type: single nucleotide variant.
Coding change: c.5417G>A on transcript NM_001372044.2 (MANE Select); coding-DNA position 5417, G replaced by A.
Protein change: p.Ser1806Asn; replaces serine 1806 with asparagine.
Molecular consequence: missense variant.
Genome position (GRCh38, 1-based): chr22:50,731,308, G>A. VCF-style: chr22-50731308-G-A. GRCh37 (hg19) VCF-style: chr22-51169736-G-A.
Other names: c.5192G>A, p.Ser1731Asn (NM_033517.1); short protein forms S1731N, S1806N.
Identifiers: ClinVar variation 1745925 (VCV001745925.2), dbSNP rs1263677169, ClinGen allele CA515268292.

ClinVar aggregate classification (germline): Uncertain significance (1 of 4 stars; one submission).

Conditions:
Inborn genetic diseases. Identifiers: MedGen C0950123, MeSH D030342.

Submission:

Ambry Genetics
Classification: Uncertain significance for Inborn genetic diseases. Last evaluated: 2018-02-12. Review status: criteria provided, single submitter. Criteria: Ambry Variant Classification Scheme 2023. Collection method: clinical testing. Allele origin: germline.
Comment: The p.S1731N variant (also known as c.5192G>A), located in coding exon 22 of the SHANK3 gene, results from a G to A substitution at nucleotide position 5192. The serine at codon 1731 is replaced by asparagine, an amino acid with highly similar properties. This nucleotide position is highly conserved in available vertebrate species.